The following is an entry in ClinVar:

NM_001277115.2(DNAH11):c.7891_7893del (p.Phe2631del)

Gene: DNAH11 (dynein axonemal heavy chain 11; plus strand). Cytogenetic location: 7p15.3.
Variant type: Deletion.
Coding change: c.7891_7893del on transcript NM_001277115.2 (MANE Select); coding-DNA positions 7891 to 7893, 3 bases deleted (TTC; older notation c.7891_7893delTTC).
Protein change: p.Phe2631del; deletes phenylalanine 2631.
Molecular consequence: inframe deletion.
Genome position (GRCh38, 1-based): chr7:21,739,650-21,739,652, TTC deleted; deleting any 3 consecutive bases within chr7:21,739,649-21,739,652 gives the same sequence; the c. name uses the placement nearest the transcript's 3' end. VCF-style (leftmost placement, unchanged base first): chr7-21739648-GCTT-G. GRCh37 (hg19) VCF-style: chr7-21779266-GCTT-G.
Other names: short protein forms F2631del.
Identifiers: ClinVar variation 1035491 (VCV001035491.18), dbSNP rs1785785582, ClinGen allele CA1693648068.
Genomic context (GRCh38, chr7:21,739,648, plus strand): 5'-TGATGCTTAAAGAAATCCATAACTGCCAGTATGTCGCCTGCATGAATCCGATGGTGGGCA[GCTT>G]CACCATCAATCCCAGGCTACAGGTAGGGTGTTGAATACTGCTCTCAAAAACTGTAGGTCT-3'

ClinVar aggregate classification (germline): Uncertain significance (1 of 4 stars; one submission).

Conditions:
Primary ciliary dyskinesia. Also called: Ciliary dyskinesia. Identifiers: Orphanet 244, MedGen C0008780, MONDO:0016575, HP:0012265.

Submission:

Labcorp Genetics (formerly Invitae), Labcorp
Classification: Uncertain significance for Primary ciliary dyskinesia. Last evaluated: 2025-12-22. Review status: criteria provided, single submitter. Criteria: Invitae Variant Classification Sherloc (09022015). Collection method: clinical testing. Allele origin: germline.
Comment: This variant, c.7891_7893del, results in the deletion of 1 amino acid(s) of the DNAH11 protein (p.Phe2631del), but otherwise preserves the integrity of the reading frame. This variant is not present in population databases (gnomAD no frequency). This variant has not been reported in the literature in individuals affected with DNAH11-related conditions. ClinVar contains an entry for this variant (Variation ID: 1035491). Experimental studies and prediction algorithms are not available or were not evaluated, and the functional significance of this variant is currently unknown. In summary, the available evidence is currently insufficient to determine the role of this variant in disease. Therefore, it has been classified as a Variant of Uncertain Significance.